The following is an entry in ClinVar:

NM_000719.7(CACNA1C):c.536T>C (p.Ile179Thr)

Gene: CACNA1C (calcium voltage-gated channel subunit alpha1 C; plus strand). Cytogenetic location: 12p13.33.
Variant type: single nucleotide variant.
Coding change: c.536T>C on transcript NM_000719.7 (MANE Select); coding-DNA position 536, T replaced by C.
Protein change: p.Ile179Thr; replaces isoleucine 179 with threonine.
Molecular consequence: missense variant.
Genome position (GRCh38, 1-based): chr12:2,449,034, T>C. VCF-style: chr12-2449034-T-C. GRCh37 (hg19) VCF-style: chr12-2558200-T-C.
Other names: c.536T>C, p.Ile179Thr (NM_001129827.2, NM_001129829.2, NM_001129830.3 and 19 more transcripts); short protein forms I179T.
Identifiers: ClinVar variation 1677378 (VCV001677378.3), dbSNP rs1309430190, ClinGen allele CA383367397.

ClinVar aggregate classification (germline): Uncertain significance. Review status: criteria provided, multiple submitters, no conflicts (2 of 4 stars). 3 submissions from 3 submitters: Uncertain significance (3). Last evaluated 2025-05-21.

Conditions:
Cardiovascular phenotype. Identifiers: MedGen CN230736.
Brugada syndrome 3 (BRGDA3). Identifiers: Orphanet 130, MedGen C2678478, MONDO:0012742, OMIM 611875.
Timothy syndrome (TS). Also called: LONG QT SYNDROME WITH SYNDACTYLY. Identifiers: Orphanet 65283, MedGen C1832916, MeSH C536962, MONDO:0010979, OMIM 601005.
Long QT syndrome 8. Identifiers: MedGen CN260585, MONDO:0032756, OMIM 618447.

Allele frequency attached by ClinVar (database versions not stated): gnomAD exomes below 0.00001.

Submissions (3):

Ambry Genetics
Classification: Uncertain significance for Cardiovascular phenotype. Last evaluated: 2025-05-21. Review status: criteria provided, single submitter. Criteria: Ambry Variant Classification Scheme 2023. Collection method: clinical testing. Allele origin: germline.
Comment: The p.I179T variant (also known as c.536T>C), located in coding exon 4 of the CACNA1C gene, results from a T to C substitution at nucleotide position 536. The isoleucine at codon 179 is replaced by threonine, an amino acid with similar properties. This amino acid position is well conserved in available vertebrate species. In addition, this alteration is predicted to be deleterious by in silico analysis. Based on the available evidence, the clinical significance of this variant remains unclear.

Fulgent Genetics
Classification: Uncertain significance for Timothy syndrome; Brugada syndrome 3; Long QT syndrome 8. Last evaluated: 2021-08-09. Review status: criteria provided, single submitter. Criteria: ACMG Guidelines, 2015. Collection method: clinical testing. Allele origin: unknown.

AiLife Diagnostics
Classification: Uncertain significance. Last evaluated: 2021-07-20. Review status: criteria provided, single submitter. Criteria: ACMG Guidelines, 2015. Collection method: clinical testing. Allele origin: germline. Affected: yes. Observed: 1 variant allele.